The following is an entry in ClinVar:

ClinVar aggregate classification (germline): Uncertain significance (1 of 4 stars; one submission).

Submission:

Labcorp Genetics (formerly Invitae), Labcorp
Classification: Uncertain significance. Last evaluated: 2022-11-22. Review status: criteria provided, single submitter. Criteria: Invitae Variant Classification Sherloc (09022015). Collection method: clinical testing. Allele origin: germline.
Comment: In summary, the available evidence is currently insufficient to determine the role of this variant in disease. Therefore, it has been classified as a Variant of Uncertain Significance. This variant disrupts a region of the PROM1 protein in which other variant(s) (p.Arg776Val) have been observed in individuals with PROM1-related conditions (PMID: 28095140). This suggests that this is a clinically significant region of the protein, and that variants that disrupt it are likely to be disease-causing. This variant has not been reported in the literature in individuals affected with PROM1-related conditions. This variant is a gross deletion of the genomic region encompassing exon(s) 19-22 of the PROM1 gene. This variant would be expected to be in-frame, preserving the integrity of the reading frame.

Literature cited by the submitters: PubMed 28095140.

NC_000004.11:g.(?_15985866)_(15989359_?)del

Gene: PROM1 (prominin 1; minus strand). Cytogenetic location: 4p15.32.
Variant type: Deletion.
Identifiers: ClinVar variation 1447695 (VCV001447695.5).